The following is an entry in ClinVar:

NM_006005.3(WFS1):c.2343G>A (p.Met781Ile)

Gene: WFS1 (wolframin ER transmembrane glycoprotein; plus strand). Cytogenetic location: 4p16.1.
Variant type: single nucleotide variant.
Coding change: c.2343G>A on transcript NM_006005.3 (MANE Select); coding-DNA position 2343, G replaced by A.
Protein change: p.Met781Ile; replaces methionine 781 with isoleucine.
Molecular consequence: missense variant.
Genome position (GRCh38, 1-based): chr4:6,302,138, G>A. VCF-style: chr4-6302138-G-A. GRCh37 (hg19) VCF-style: chr4-6303865-G-A.
Other names: c.2343G>A, p.Met781Ile (NM_001145853.1); short protein forms M781I.
Identifiers: ClinVar variation 1678045 (VCV001678045.4), dbSNP rs760705276, ClinGen allele CA2839689.

ClinVar aggregate classification (germline): Uncertain significance. Review status: criteria provided, multiple submitters, no conflicts (2 of 4 stars). 2 submissions from 2 submitters: Uncertain significance (2). Last evaluated 2025-10-26.

Allele frequency attached by ClinVar (database versions not stated): ExAC 0.00003; gnomAD exomes 0.00001.
gnomAD v4.1: 2 of 1,612,884 alleles (0.00012%); highest among the groups gnomAD compares: African/African-American, 0.0027%; no homozygotes.

Submissions (2):

Labcorp Genetics (formerly Invitae), Labcorp
Classification: Uncertain significance. Last evaluated: 2025-10-26. Review status: criteria provided, single submitter. Criteria: Invitae Variant Classification Sherloc (09022015). Collection method: clinical testing. Allele origin: germline.
Comment: This sequence change replaces methionine, which is neutral and non-polar, with isoleucine, which is neutral and non-polar, at codon 781 of the WFS1 protein (p.Met781Ile). This variant is present in population databases (rs760705276, gnomAD 0.02%). This variant has not been reported in the literature in individuals affected with WFS1-related conditions. ClinVar contains an entry for this variant (Variation ID: 1678045). Invitae Evidence Modeling of protein sequence and biophysical properties (such as structural, functional, and spatial information, amino acid conservation, physicochemical variation, residue mobility, and thermodynamic stability) has been performed for this missense variant. However, the output from this modeling did not meet the statistical confidence thresholds required to predict the impact of this variant on WFS1 protein function. In summary, the available evidence is currently insufficient to determine the role of this variant in disease. Therefore, it has been classified as a Variant of Uncertain Significance.

AiLife Diagnostics
Classification: Uncertain significance. Last evaluated: 2022-03-16. Review status: criteria provided, single submitter. Criteria: ACMG Guidelines, 2015. Collection method: clinical testing. Allele origin: germline. Affected: yes. Observed: 1 variant allele.